The following is an entry in ClinVar:

ClinVar aggregate classification (germline): Uncertain significance. Review status: criteria provided, multiple submitters, no conflicts (2 of 4 stars). 2 submissions from 2 submitters: Uncertain significance (2). Last evaluated 2023-04-17.

Conditions:
Developmental and epileptic encephalopathy, 2 (DEE2). Also called: INFANTILE SPASM SYNDROME, X-LINKED 2; CDKL5 deficiency disorder. Identifiers: Orphanet 1934, Orphanet 3451, Orphanet 505652, MedGen C4750718, MONDO:0010396, OMIM 300672.
Angelman syndrome-like. Identifiers: MedGen CN128785.

Allele frequency attached by ClinVar (database versions not stated): gnomAD exomes below 0.00001 and 0.00001; ExAC 0.00001; TOPMed 0.00001.
gnomAD v4.1: 5 of 1,212,231 alleles (0.00041%); highest among the groups gnomAD compares: Non-Finnish European, 0.00056%; no homozygotes.

Submissions (2):

Labcorp Genetics (formerly Invitae), Labcorp
Classification: Uncertain significance for Developmental and epileptic encephalopathy, 2; Angelman syndrome-like. Last evaluated: 2023-04-17. Review status: criteria provided, single submitter. Criteria: Invitae Variant Classification Sherloc (09022015). Collection method: clinical testing. Allele origin: germline.
Comment: This variant has not been reported in the literature in individuals affected with CDKL5-related conditions. In summary, the available evidence is currently insufficient to determine the role of this variant in disease. Therefore, it has been classified as a Variant of Uncertain Significance. Advanced modeling of protein sequence and biophysical properties (such as structural, functional, and spatial information, amino acid conservation, physicochemical variation, residue mobility, and thermodynamic stability) performed at Invitae indicates that this missense variant is not expected to disrupt CDKL5 protein function. ClinVar contains an entry for this variant (Variation ID: 158180). This variant is present in population databases (rs587783400, gnomAD 0.001%). This sequence change replaces threonine, which is neutral and polar, with alanine, which is neutral and non-polar, at codon 560 of the CDKL5 protein (p.Thr560Ala).

Genetic Services Laboratory, University of Chicago
Classification: Uncertain significance for Epileptic encephalopathy, early infantile, 2. Last evaluated: 2013-02-08. Review status: criteria provided, single submitter. Criteria: ACMG Guidelines, 2007. Collection method: clinical testing. Allele origin: germline. Inheritance: X-linked inheritance.

NM_001323289.2(CDKL5):c.1678A>G (p.Thr560Ala)

Gene: CDKL5 (cyclin dependent kinase like 5; plus strand). Cytogenetic location: Xp22.13.
Variant type: single nucleotide variant.
Coding change: c.1678A>G on transcript NM_001323289.2 (MANE Select); coding-DNA position 1678, A replaced by G.
Protein change: p.Thr560Ala; replaces threonine 560 with alanine.
Molecular consequence: missense variant.
Genome position (GRCh38, 1-based): chrX:18,604,602, A>G. VCF-style: chrX-18604602-A-G. GRCh37 (hg19) VCF-style: chrX-18622722-A-G.
Other names: c.1678A>G, p.Thr560Ala (NM_001037343.2, NM_003159.3); short protein forms T560A.
Identifiers: ClinVar variation 158180 (VCV000158180.10), dbSNP rs587783400, ClinGen allele CA171616.
Genomic context (GRCh38, chrX:18,604,602, plus strand): 5'-ACTTTGCTCAGCCCTTCTGGAAGAAATAACCGAAATGAGGGAACGCTGGACTCACGTCGA[A>G]CCACAACCAGACATTCTAAGACGATGGAGGAATTGAAGCTGCCGGAGCACATGGACAGTA-3'
Protein context (NP_001310218.1, residues 550-570): RNEGTLDSRR[Thr560Ala]TTRHSKTMEE